The following is an entry in ClinVar:

NM_002755.4(MAP2K1):c.877C>T (p.Pro293Ser)

Gene: MAP2K1 (mitogen-activated protein kinase kinase 1; plus strand). Cytogenetic location: 15q22.31.
Variant type: single nucleotide variant.
Coding change: c.877C>T on transcript NM_002755.4 (MANE Select); coding-DNA position 877, C replaced by T.
Protein change: p.Pro293Ser; replaces proline 293 with serine.
Molecular consequence: missense variant.
Genome position (GRCh38, 1-based): chr15:66,485,173, C>T. VCF-style: chr15-66485173-C-T. GRCh37 (hg19) VCF-style: chr15-66777511-C-T.
Other names: short protein forms P293S.
Identifiers: ClinVar variation 1205507 (VCV001205507.3), dbSNP rs918690546, ClinGen allele CA271674163.

ClinVar aggregate classification (germline): Uncertain significance (1 of 4 stars; one submission).

Allele frequency attached by ClinVar (database versions not stated): gnomAD exomes below 0.00001.
gnomAD v4.1: 1 of 1,613,808 alleles (0.000062%); highest among the groups gnomAD compares: East Asian, 0.0022%; no homozygotes.

Submission:

GeneDx
Classification: Uncertain significance. Last evaluated: 2019-04-01. Review status: criteria provided, single submitter. Criteria: GeneDx Variant Classification Process June 2021. Collection method: clinical testing. Allele origin: germline. Affected: yes.
Comment: The majority of missense variants in this gene are considered pathogenic (Stenson et al., 2014); In silico analysis, which includes protein predictors and evolutionary conservation, supports that this variant does not alter protein structure/function; Has not been previously published as pathogenic or benign to our knowledge